The following is an entry in ClinVar:

NM_001354483.2(CSGALNACT1):c.689G>A (p.Gly230Glu)

Gene: CSGALNACT1 (chondroitin sulfate N-acetylgalactosaminyltransferase 1; minus strand). Cytogenetic location: 8p21.3.
Variant type: single nucleotide variant.
Coding change: c.689G>A on transcript NM_001354483.2 (MANE Select); coding-DNA position 689, G replaced by A.
Protein change: p.Gly230Glu; replaces glycine 230 with glutamic acid.
Molecular consequence: missense variant. On other transcripts: non-coding transcript variant (7).
Genome position (GRCh38, 1-based): chr8:19,458,588, C>T on the plus strand (G>A on the coding strand, the complement: CSGALNACT1 is on the minus strand). VCF-style: chr8-19458588-C-T. GRCh37 (hg19) VCF-style: chr8-19316099-C-T.
Other names: c.689G>A, p.Gly230Glu (NM_001130518.2, NM_001354475.2, NM_001354476.2 and 18 more transcripts); short protein forms G230E.
Identifiers: ClinVar variation 1485162 (VCV001485162.6), dbSNP rs1000014054, ClinGen allele CA173295553.

ClinVar aggregate classification (germline): Uncertain significance (1 of 4 stars; one submission).

Allele frequency attached by ClinVar (database versions not stated): gnomAD exomes 0.00001; TOPMed 0.00001.
gnomAD v4.1: 17 of 1,614,108 alleles (0.0011%); highest among the groups gnomAD compares: Non-Finnish European, 0.0014%; no homozygotes.

Submission:

Labcorp Genetics (formerly Invitae), Labcorp
Classification: Uncertain significance. Last evaluated: 2022-07-06. Review status: criteria provided, single submitter. Criteria: Invitae Variant Classification Sherloc (09022015). Collection method: clinical testing. Allele origin: germline.
Comment: This variant has not been reported in the literature in individuals affected with CSGALNACT1-related conditions. This variant is present in population databases (no rsID available, gnomAD 0.002%). This sequence change replaces glycine, which is neutral and non-polar, with glutamic acid, which is acidic and polar, at codon 230 of the CSGALNACT1 protein (p.Gly230Glu). ClinVar contains an entry for this variant (Variation ID: 1485162). In summary, the available evidence is currently insufficient to determine the role of this variant in disease. Therefore, it has been classified as a Variant of Uncertain Significance. Algorithms developed to predict the effect of missense changes on protein structure and function are either unavailable or do not agree on the potential impact of this missense change (SIFT: "Deleterious"; PolyPhen-2: "Possibly Damaging"; Align-GVGD: "Class C0").